The following is an entry in ClinVar:

ClinVar aggregate classification (germline): Likely pathogenic (1 of 4 stars; one submission).

Conditions:
Hereditary cancer-predisposing syndrome. Also called: Neoplastic Syndromes, Hereditary; Tumor predisposition; Hereditary Cancer Syndrome; Hereditary neoplastic syndrome. Identifiers: Orphanet 140162, MedGen C0027672, MeSH D009386, MONDO:0015356.

Submission:

Labcorp Genetics (formerly Invitae), Labcorp
Classification: Likely pathogenic for Hereditary cancer-predisposing syndrome. Last evaluated: 2023-06-11. Review status: criteria provided, single submitter. Criteria: Invitae Variant Classification Sherloc (09022015). Collection method: clinical testing. Allele origin: germline.
Comment: This sequence change affects a donor splice site in intron 13 of the RAD50 gene. It is expected to disrupt RNA splicing. Variants that disrupt the donor or acceptor splice site typically lead to a loss of protein function (PMID: 16199547), and loss-of-function variants in RAD50 are known to be pathogenic (PMID: 19409520). This variant is not present in population databases (gnomAD no frequency). This variant has not been reported in the literature in individuals affected with RAD50-related conditions. Algorithms developed to predict the effect of sequence changes on RNA splicing suggest that this variant may disrupt the consensus splice site. In summary, the currently available evidence indicates that the variant is pathogenic, but additional data are needed to prove that conclusively. Therefore, this variant has been classified as Likely Pathogenic.

Literature cited by the submitters: PubMed 16199547; PubMed 19409520.

NM_005732.4(RAD50):c.2207+1G>A

Gene: RAD50 (RAD50 double strand break repair protein; plus strand). Cytogenetic location: 5q31.1.
Variant type: single nucleotide variant.
Coding change: c.2207+1G>A on transcript NM_005732.4 (MANE Select); the canonical splice donor site of the intron after coding-DNA position 2207, G replaced by A.
Molecular consequence: splice donor variant.
Genome position (GRCh38, 1-based): chr5:132,595,811, G>A. VCF-style: chr5-132595811-G-A. GRCh37 (hg19) VCF-style: chr5-131931503-G-A.
Identifiers: ClinVar variation 2711265 (VCV002711265.3), dbSNP rs2149844298, ClinGen allele CA360950949.